The following is an entry in ClinVar:

NM_001447.3(FAT2):c.12413G>A (p.Arg4138Gln)

Genes: FAT2 (FAT atypical cadherin 2; minus strand), SLC36A1 (solute carrier family 36 member 1; plus strand). Cytogenetic location: 5q33.1.
Variant type: single nucleotide variant.
Coding change: c.12413G>A on transcript NM_001447.3 (MANE Select); coding-DNA position 12413, G replaced by A.
Protein change: p.Arg4138Gln; replaces arginine 4138 with glutamine.
Molecular consequence: missense variant.
Genome position (GRCh38, 1-based): chr5:151,507,258, C>T on the plus strand (G>A on the coding strand, the complement: FAT2 is on the minus strand). VCF-style: chr5-151507258-C-T. GRCh37 (hg19) VCF-style: chr5-150886819-C-T.
Other names: short protein forms R4138Q.
Identifiers: ClinVar variation 2200311 (VCV002200311.10), dbSNP rs543652342, ClinGen allele CA3519789.

ClinVar aggregate classification (germline): Benign/Likely benign. Review status: criteria provided, multiple submitters, no conflicts (2 of 4 stars). 2 submissions from 2 submitters: Benign (1); Likely benign (1). Last evaluated 2025-11-01.

Allele frequency attached by ClinVar (database versions not stated): TOPMed 0.00004; gnomAD 0.00018; gnomAD exomes 0.00044; ExAC 0.00098; 1000 Genomes Project 30x 0.00125; 1000 Genomes Project 0.00140.
gnomAD v4.1: 676 of 1,614,122 alleles (0.042%); highest among the groups gnomAD compares: South Asian, 0.69%; 1 homozygote.

Submissions (2):

CeGaT Center for Human Genetics Tuebingen
Classification: Likely benign. Last evaluated: 2025-11-01. Review status: criteria provided, single submitter. Criteria: CeGaT Center For Human Genetics Tuebingen Variant Classification Criteria Version 2. Collection method: clinical testing. Allele origin: germline. Affected: yes. Observed: 1 variant allele.
Comment: FAT2: PP2, BP4, BS1

Labcorp Genetics (formerly Invitae), Labcorp
Classification: Benign. Last evaluated: 2025-06-25. Review status: criteria provided, single submitter. Criteria: Invitae Variant Classification Sherloc (09022015). Collection method: clinical testing. Allele origin: germline.